The following is an entry in ClinVar:

ClinVar aggregate classification (germline): Uncertain significance. Review status: criteria provided, multiple submitters, no conflicts (2 of 4 stars). 2 submissions from 2 submitters: Uncertain significance (2). Last evaluated 2025-11-26.

Conditions:
Inborn genetic diseases. Identifiers: MedGen C0950123, MeSH D030342.

gnomAD v4.1: 14 of 1,602,002 alleles (0.00087%); highest among the groups gnomAD compares: Non-Finnish European, 0.0012%; no homozygotes.

Submissions (2):

Ambry Genetics
Classification: Uncertain significance for Inborn genetic diseases. Last evaluated: 2025-11-26. Review status: criteria provided, single submitter. Criteria: Ambry Variant Classification Scheme 2023. Collection method: clinical testing. Allele origin: germline.

Labcorp Genetics (formerly Invitae), Labcorp
Classification: Uncertain significance. Last evaluated: 2025-09-07. Review status: criteria provided, single submitter. Criteria: Invitae Variant Classification Sherloc (09022015). Collection method: clinical testing. Allele origin: germline.
Comment: This sequence change replaces lysine, which is basic and polar, with arginine, which is basic and polar, at codon 416 of the GUCY2C protein (p.Lys416Arg). This variant is not present in population databases (gnomAD no frequency). This variant has not been reported in the literature in individuals affected with GUCY2C-related conditions. Invitae Evidence Modeling of protein sequence and biophysical properties (such as structural, functional, and spatial information, amino acid conservation, physicochemical variation, residue mobility, and thermodynamic stability) indicates that this missense variant is not expected to disrupt GUCY2C protein function with a negative predictive value of 80%. In summary, the available evidence is currently insufficient to determine the role of this variant in disease. Therefore, it has been classified as a Variant of Uncertain Significance.

NM_004963.4(GUCY2C):c.1247A>G (p.Lys416Arg)

Genes: GUCY2C (guanylate cyclase 2C; minus strand), GUCY2C-AS1 (GUCY2C antisense RNA 1; plus strand). Cytogenetic location: 12p12.3.
Variant type: single nucleotide variant.
Coding change: c.1247A>G on transcript NM_004963.4 (MANE Select); coding-DNA position 1247, A replaced by G.
Protein change: p.Lys416Arg; replaces lysine 416 with arginine.
Molecular consequence: missense variant.
Genome position (GRCh38, 1-based): chr12:14,669,757, T>C on the plus strand (A>G on the coding strand, the complement: GUCY2C is on the minus strand). VCF-style: chr12-14669757-T-C. GRCh37 (hg19) VCF-style: chr12-14822691-T-C.
Other names: short protein forms K416R.
Identifiers: ClinVar variation 4621225 (VCV004621225.2).